The following is an entry in ClinVar:

ClinVar aggregate classification (germline): Uncertain significance. Review status: criteria provided, multiple submitters, no conflicts (2 of 4 stars). 2 submissions from 2 submitters: Uncertain significance (2). Last evaluated 2025-12-01.

Conditions:
Inborn genetic diseases. Identifiers: MedGen C0950123, MeSH D030342.
Transcobalamin II deficiency (TCN2D). Also called: TC II DEFICIENCY; TCN2 DEFICIENCY; Transcolabamin II deficiency. Identifiers: Orphanet 859, MedGen C0342701, MONDO:0010149, OMIM 275350.

Allele frequency attached by ClinVar (database versions not stated): TOPMed 0.00003.
gnomAD v4.1: 16 of 1,614,092 alleles (0.00099%); highest among the groups gnomAD compares: African/African-American, 0.02%; no homozygotes.

Submissions (2):

Labcorp Genetics (formerly Invitae), Labcorp
Classification: Uncertain significance for Transcobalamin II deficiency. Last evaluated: 2025-12-01. Review status: criteria provided, single submitter. Criteria: Invitae Variant Classification Sherloc (09022015). Collection method: clinical testing. Allele origin: germline.
Comment: This sequence change replaces proline, which is neutral and non-polar, with leucine, which is neutral and non-polar, at codon 213 of the TCN2 protein (p.Pro213Leu). This variant is present in population databases (rs774581238, gnomAD 0.02%). This variant has not been reported in the literature in individuals affected with TCN2-related conditions. ClinVar contains an entry for this variant (Variation ID: 849245). An algorithm developed to predict the effect of missense changes on protein structure and function (PolyPhen-2) suggests that this variant is likely to be tolerated. In summary, the available evidence is currently insufficient to determine the role of this variant in disease. Therefore, it has been classified as a Variant of Uncertain Significance.

Ambry Genetics
Classification: Uncertain significance for Inborn genetic diseases. Last evaluated: 2023-12-16. Review status: criteria provided, single submitter. Criteria: Ambry Variant Classification Scheme 2023. Collection method: clinical testing. Allele origin: germline.

NM_000355.4(TCN2):c.638C>T (p.Pro213Leu)

Gene: TCN2 (transcobalamin 2; plus strand). Cytogenetic location: 22q12.2.
Variant type: single nucleotide variant.
Coding change: c.638C>T on transcript NM_000355.4 (MANE Select); coding-DNA position 638, C replaced by T.
Protein change: p.Pro213Leu; replaces proline 213 with leucine.
Molecular consequence: missense variant.
Genome position (GRCh38, 1-based): chr22:30,615,358, C>T. VCF-style: chr22-30615358-C-T. GRCh37 (hg19) VCF-style: chr22-31011345-C-T.
Other names: c.557C>T, p.Pro186Leu (NM_001184726.2); short protein forms P213L, P186L.
Identifiers: ClinVar variation 849245 (VCV000849245.8), dbSNP rs774581238, ClinGen allele CA10184761.
Genomic context (GRCh38, chr22:30,615,358, plus strand): 5'-AAGACACAGCAGCCATGGCAGGCTTGGCATTCACCTGTCTGAAGCGCTCAAACTTCAACC[C>T]TGGTCGGAGACAACGGATCACCATGGCCATCAGAACAGTGCGAGAGGAGATCTTGAAGGC-3'
Protein context (NP_000346.2, residues 203-223): FTCLKRSNFN[Pro213Leu]GRRQRITMAI